The following is an entry in ClinVar:

ClinVar aggregate classification (germline): Likely pathogenic (1 of 4 stars; one submission).

Conditions:
SCN4A-related disorder. Also called: SCN4A-related disorders.

Submission:

Rady Children's Institute for Genomic Medicine, Rady Children's Hospital San Diego
Classification: Likely pathogenic for SCN4A-Related Disorders. Review status: criteria provided, single submitter. Criteria: ACMG Guidelines, 2015. Collection method: clinical testing. Allele origin: germline. Affected: yes.
Comment: This variant has not been previously reported or functionally characterized in the literature to our knowledge. The c.2114T>C (p.Leu705Pro) variant is absent from the gnomAD population database and thus is presumed to be rare. The c.2114T>C (p.Leu705Pro) variant affects a highly conserved amino acid and is predicted by multiple in silico tools to have a deleterious effect on protein function. Analysis of the parental samples was negative for the variant, indicating this variant likely occurred as a de novo event. Based on the available evidence, the c.2114T>C (p.Leu705Pro) variant is classified as Likely Pathogenic.

NM_000334.4(SCN4A):c.2114T>C (p.Leu705Pro)

Genes: GH-LCR (growth hormone locus control region; plus strand), SCN4A (sodium voltage-gated channel alpha subunit 4; minus strand). Cytogenetic location: 17q23.3.
Variant type: single nucleotide variant.
Coding change: c.2114T>C on transcript NM_000334.4 (MANE Select); coding-DNA position 2114, T replaced by C.
Protein change: p.Leu705Pro; replaces leucine 705 with proline.
Molecular consequence: missense variant.
Genome position (GRCh38, 1-based): chr17:63,957,424, A>G on the plus strand (T>C on the coding strand, the complement: SCN4A is on the minus strand). VCF-style: chr17-63957424-A-G. GRCh37 (hg19) VCF-style: chr17-62034784-A-G.
Other names: short protein forms L705P.
Identifiers: ClinVar variation 2584452 (VCV002584452.1), dbSNP rs2509305424, ClinGen allele CA400631101.
Genomic context (GRCh38, chr17:63,957,424, plus strand): 5'-CTCTTGCCAAACAGCTGCATGCCCACCACGGCGAAGATGAACACGATGATAGCCAGCACC[A>G]GCGTCAGGTTACCCAGCGCCCCCACTGAATTGCCAATGATCTTGATGAGCATGTTCAGCG-3'
Protein context (NP_000325.4, residues 695-715): NSVGALGNLT[Leu705Pro]VLAIIVFIFA